The following is an entry in ClinVar:

ClinVar aggregate classification (germline): Uncertain significance (1 of 4 stars; one submission).

Conditions:
Noonan syndrome-like disorder with loose anagen hair 2 (NSLH2). Identifiers: MedGen C4479577, MONDO:0054588, OMIM 617506.

Submission:

Clinical Genomics Laboratory, Washington University in St. Louis
Classification: Uncertain significance for Noonan syndrome-like disorder with loose anagen hair 2. Last evaluated: 2025-04-13. Review status: criteria provided, single submitter. Criteria: ACMG Guidelines, 2015. Collection method: clinical testing. Allele origin: germline.
Comment: The PPP1CB c.806C>G (p.Pro269Arg) variant, to our knowledge, has not been reported in the medical literature. This variant is absent from the general population (gnomAD v4.1.0), indicating it is not a common variant. Computational predictors indicate that the variant is damaging, evidence that correlates with impact to PPP1CB function. Due to limited information, and based on ACMG/AMP guidelines for variant interpretation (Richards S et al., PMID: 25741868), the clinical significance of this variant is uncertain at this time.

NM_002709.3(PPP1CB):c.806C>G (p.Pro269Arg)

Gene: PPP1CB (protein phosphatase 1 catalytic subunit beta; plus strand). Cytogenetic location: 2p23.2.
Variant type: single nucleotide variant.
Coding change: c.806C>G on transcript NM_002709.3 (MANE Select); coding-DNA position 806, C replaced by G.
Protein change: p.Pro269Arg; replaces proline 269 with arginine.
Molecular consequence: missense variant.
Genome position (GRCh38, 1-based): chr2:28,793,924, C>G. VCF-style: chr2-28793924-C-G. GRCh37 (hg19) VCF-style: chr2-29016790-C-G.
Other names: c.806C>G, p.Pro269Arg (NM_206876.2); short protein forms P269R.
Identifiers: ClinVar variation 4279746 (VCV004279746.1).
Genomic context (GRCh38, chr2:28,793,924, plus strand): 5'-TGGTGGAAGATGGATATGAATTTTTTGCTAAACGACAGTTGGTAACCTTATTTTCAGCCC[C>G]AAATTACTGTGGCGAGTTTGATAATGCTGGTGGAATGATGAGTGTGGATGAAACTTTGAT-3'
Protein context (NP_002700.1, residues 259-279): KRQLVTLFSA[Pro269Arg]NYCGEFDNAG